The following is an entry in ClinVar:

ClinVar aggregate classification (germline): Likely benign (1 of 4 stars; one submission).

Submission:

CeGaT Center for Human Genetics Tuebingen
Classification: Likely benign. Last evaluated: 2022-12-01. Review status: criteria provided, single submitter. Criteria: CeGaT Center For Human Genetics Tuebingen Variant Classification Criteria Version 2. Collection method: clinical testing. Allele origin: germline. Affected: yes. Observed: 1 variant allele.
Comment: FGFR1: BS1

NM_023110.3(FGFR1):c.-89+1085dup

Gene: FGFR1 (fibroblast growth factor receptor 1; minus strand). Cytogenetic location: 8p11.23.
Variant type: Duplication.
Coding change: c.-89+1085dup on transcript NM_023110.3 (MANE Select); 1085 bases into the intron after 89 bases upstream of the start codon, one base duplicated (G; older notation c.-89+1085dupG).
Molecular consequence: intron variant.
Genome position (GRCh38, 1-based): chr8:38,466,896, C duplicated on the plus strand (G on the coding strand, the reverse complement: FGFR1 is on the minus strand); the first of 10 consecutive C bases (chr8:38,466,896-38,466,905); duplicating any one gives the same sequence. VCF-style (leftmost placement, unchanged base first): chr8-38466895-A-AC. GRCh37 (hg19) VCF-style: chr8-38324413-A-AC.
Other names: c.-89+1085dup (NM_023105.3, NM_001354367.2, NM_015850.4 and 4 more transcripts); c.-181+1085dup (NM_001174064.2); c.-89+776dup (NM_001174066.2, NM_001354369.2, NM_001410922.1 and 1 more transcripts); c.-150+776dup (NM_001174067.2).
Identifiers: ClinVar variation 2658561 (VCV002658561.24), dbSNP rs35393411, ClinGen allele CA581345608.
Genomic context (GRCh38, chr8:38,466,895, plus strand): 5'-ATGTTTTTCAAAAGGGTTGATAGCTTCTGGGCTCAGAACAAGAAACAGGCTTCACACCCC[A>AC]CCCCCCCCCCACCACCACCAAAAAAGTGTCTGGCTGCCTCATAGGGGGTGTGTGTTCTAT-3'